The following is an entry in ClinVar:

NM_182641.4(BPTF):c.7616A>C (p.Gln2539Pro)

Gene: BPTF (bromodomain PHD finger transcription factor; plus strand). Cytogenetic location: 17q24.2.
Variant type: single nucleotide variant.
Coding change: c.7616A>C on transcript NM_182641.4 (MANE Select); coding-DNA position 7616, A replaced by C.
Protein change: p.Gln2539Pro; replaces glutamine 2539 with proline.
Molecular consequence: missense variant. On other transcripts: intron variant (1).
Genome position (GRCh38, 1-based): chr17:67,946,324, A>C. VCF-style: chr17-67946324-A-C. GRCh37 (hg19) VCF-style: chr17-65942440-A-C.
Other names: c.7566+428A>C (NM_004459.7); short protein forms Q2539P.
Identifiers: ClinVar variation 1306870 (VCV001306870.2), dbSNP rs2147954977, ClinGen allele CA400726036.

ClinVar aggregate classification (germline): Uncertain significance (1 of 4 stars; one submission).

gnomAD v4.1: 1 of 1,612,912 alleles (0.000062%); highest among the groups gnomAD compares: Non-Finnish European, 0.000085%; no homozygotes.

Submission:

GeneDx
Classification: Uncertain significance. Last evaluated: 2019-07-20. Review status: criteria provided, single submitter. Criteria: GeneDx Variant Classification Process June 2021. Collection method: clinical testing. Allele origin: germline. Affected: yes.
Comment: In silico analysis, which includes splice predictors and evolutionary conservation, supports a deleterious effect; Not observed in large population cohorts (Lek et al., 2016); Has not been previously published as pathogenic or benign to our knowledge